The following is an entry in ClinVar:

ClinVar aggregate classification (germline): Uncertain significance (1 of 4 stars; one submission).

Conditions:
Cryopyrin associated periodic syndrome (CAPS). Identifiers: Orphanet 208650, MedGen C2316212, MONDO:0016168.

Submission:

Labcorp Genetics (formerly Invitae), Labcorp
Classification: Uncertain significance for Cryopyrin associated periodic syndrome. Last evaluated: 2022-04-08. Review status: criteria provided, single submitter. Criteria: Invitae Variant Classification Sherloc (09022015). Collection method: clinical testing. Allele origin: germline.
Comment: In summary, the available evidence is currently insufficient to determine the role of this variant in disease. Therefore, it has been classified as a Variant of Uncertain Significance. Algorithms developed to predict the effect of missense changes on protein structure and function are either unavailable or do not agree on the potential impact of this missense change (SIFT: "Deleterious"; PolyPhen-2: "Probably Damaging"; Align-GVGD: "Class C15"). This variant has not been reported in the literature in individuals affected with NLRP3-related conditions. This variant is not present in population databases (gnomAD no frequency). This sequence change replaces serine, which is neutral and polar, with phenylalanine, which is neutral and non-polar, at codon 471 of the NLRP3 protein (p.Ser471Phe).

NM_001243133.2(NLRP3):c.1406C>T (p.Ser469Phe)

Gene: NLRP3 (NLR family pyrin domain containing 3; plus strand). Cytogenetic location: 1q44.
Variant type: single nucleotide variant.
Coding change: c.1406C>T on transcript NM_001243133.2 (MANE Select); coding-DNA position 1406, C replaced by T.
Protein change: p.Ser469Phe; replaces serine 469 with phenylalanine.
Molecular consequence: missense variant.
Genome position (GRCh38, 1-based): chr1:247,424,855, C>T. VCF-style: chr1-247424855-C-T. GRCh37 (hg19) VCF-style: chr1-247588157-C-T.
Other names: c.1406C>T, p.Ser469Phe (NM_001079821.3, NM_001127461.3, NM_001127462.3 and 1 more transcripts); c.1412C>T, p.Ser471Phe (NM_004895.5); short protein forms S469F, S471F.
Identifiers: ClinVar variation 2113508 (VCV002113508.4), dbSNP rs2527270324, ClinGen allele CA345556816.